The following is an entry in ClinVar:

ClinVar aggregate classification (germline): Uncertain significance (3 of 4 stars; one submission).

Conditions:
Glanzmann thrombasthenia. Also called: THROMBASTHENIA OF GLANZMANN AND NAEGELI; BLEEDING DISORDER, PLATELET-TYPE, 2; Thrombasthenia; PLATELET GLYCOPROTEIN IIb-IIIa DEFICIENCY; Glanzmann's thrombasthenia. Identifiers: Orphanet 849, MedGen C0040015, MONDO:0100326.

Submission:

ClinGen Platelet Disorders Variant Curation Expert Panel, ClinGen
Classification: Uncertain significance for Glanzmann thrombasthenia. Last evaluated: 2021-12-21. Review status: reviewed by expert panel. Criteria: ClinGen Platelet ACMG Specifications v2. Collection method: curation. Allele origin: germline. Inheritance: Autosomal recessive inheritance.
Comment: TheNM_000419.5(ITGA2B):c.1742C>A (p.Ala581Asp) missense variant has been reported in at least one patient (Patient PL in PMID:12083483) who displayed mucocutaneous bleeding and impaired aggregation with all agonists except ristocetin, which is highly specific for Glanzmann thrombasthenia. Additionally, αIIbβ3 surface expression was reduced to 0.3-1.4% of normal, as measured by flow cytometry. ITGA2B and ITGB3 were sequenced across all exons and intron/exon boundaries (PP4_strong). This variant is absent from gnomAD v2.1.1 (PM2_Supporting). In summary, this variant meets the criteria to be classified as uncertain significance for autosomal recessive Glanzmann Thrombasthenia based on the ACMG/AMP criteria applied, as specified by the ClinGen PD VCEP: PP4_strong, PM2_supporting. (VCEP specifications version 2; date of approval 12/21/2021)

NM_000419.5(ITGA2B):c.1742C>A (p.Ala581Asp)

Gene: ITGA2B (integrin subunit alpha 2b; minus strand). Cytogenetic location: 17q21.31.
Variant type: single nucleotide variant.
Coding change: c.1742C>A on transcript NM_000419.5 (MANE Select); coding-DNA position 1742, C replaced by A.
Protein change: p.Ala581Asp; replaces alanine 581 with aspartic acid.
Molecular consequence: missense variant.
Genome position (GRCh38, 1-based): chr17:44,380,012, G>T on the plus strand (C>A on the coding strand, the complement: ITGA2B is on the minus strand). VCF-style: chr17-44380012-G-T. GRCh37 (hg19) VCF-style: chr17-42457380-G-T.
Other names: NM_000419.5:c.1742C>A; short protein forms A581D.
Identifiers: ClinVar variation 1330354 (VCV001330354.1), dbSNP rs2143458780, ClinGen allele CA399802112.
Genomic context (GRCh38, chr17:44,380,012, plus strand): 5'-GTGGGTAAGTTCTACTCTCCCAGCCCTGCCAATCCCCTGCCTGGGCGTACTCGAAGGAAG[G>T]CCATGGTGGTGTGGCAGATGGGGCTGTGCTTTCCGCCCAGATCCAGGTTCAGGGTGGTGC-3'
Protein context (NP_000410.2, residues 571-591): KHSPICHTTM[Ala581Asp]FLRDEADFRD